The following is an entry in ClinVar:

ClinVar aggregate classification (germline): Likely benign (1 of 4 stars; one submission).

Submission:

Laboratory for Molecular Medicine, Mass General Brigham Personalized Medicine
Classification: Likely benign. Last evaluated: 2013-08-28. Review status: criteria provided, single submitter. Criteria: LMM Criteria. Collection method: clinical testing. Allele origin: germline. Observed: 12 variant alleles.
Comment: m.951G>A in MTRNR1: This variant is reported with low frequency, 0.1-4%, in broa d populations (LOVD database; mtDB.se; HmtDB) and belongs to the H2a mitochond rial haplogroup (Brandstatter 2006). It has been identified in patients with hea ring loss (0.4 ? 1.6%) as well as in controls (0.4 - 1%) without a statistically significant difference (Konings 2008, Li_2004, Lu 2010, Rydzanicz 2010). In sum mary, in the absence of any statistically significant association to hearing los s, the frequency of this variant suggests that it is likely benign.

Literature cited by the submitters: PubMed 16721903; PubMed 18830133; PubMed 18851951; PubMed 18790089; PubMed 15286157; PubMed 20100600; PubMed 20353758.

NC_012920.1(MT-RNR1):m.951G>A

Gene: MT-RNR1 (mitochondrially encoded 12S RNA; plus strand).
Variant type: single nucleotide variant.
Genome position: chrM-951-G-A.
Identifiers: ClinVar variation 42231 (VCV000042231.4), dbSNP rs200887992, ClinGen allele CA131016.